The following is an entry in ClinVar:

ClinVar aggregate classification (germline): Uncertain significance (1 of 4 stars; one submission).

Conditions:
SDCCAG8-related disorder. Also called: SDCCAG8-Related Disorders; SDCCAG8-related condition.

Allele frequency attached by ClinVar (database versions not stated): gnomAD exomes below 0.00001; gnomAD 0.00001.
gnomAD v4.1: 2 of 1,612,430 alleles (0.00012%); highest among the groups gnomAD compares: African/African-American, 0.0027%; no homozygotes.

Submission:

PreventionGenetics, part of Exact Sciences
Classification: Uncertain significance for SDCCAG8-related condition. Last evaluated: 2023-02-21. Review status: criteria provided, single submitter. Criteria: ACMG Guidelines, 2015. Collection method: clinical testing. Allele origin: germline.
Comment: The SDCCAG8 c.2100G>C variant is not predicted to result in an amino acid change (p.=). This variant is predicted to alter splicing based on available splicing prediction programs (Alamut Visual Plus v1.6.1). However, the use of computer prediction programs is not equivalent to functional evidence. To our knowledge, this variant has not been reported in the literature. This variant is reported in 0.011% of alleles in individuals of African descent in gnomAD. At this time, the clinical significance of this variant is uncertain due to the absence of conclusive functional and genetic evidence.

NM_006642.5(SDCCAG8):c.2100G>C (p.Arg700=)

Genes: AKT3 (AKT serine/threonine kinase 3; minus strand), SDCCAG8 (SHH signaling and ciliogenesis regulator SDCCAG8; plus strand). Cytogenetic location: 1q43.
Variant type: single nucleotide variant.
Coding change: c.2100G>C on transcript NM_006642.5 (MANE Select); coding-DNA position 2100, G replaced by C.
Protein change: p.Arg700=; no amino-acid change (arginine 700 retained).
Molecular consequence: synonymous variant. On other transcripts: intron variant (1).
Genome position (GRCh38, 1-based): chr1:243,489,128, G>C. VCF-style: chr1-243489128-G-C. GRCh37 (hg19) VCF-style: chr1-243652430-G-C.
Other names: c.1197G>C, p.Arg399= (NM_001350246.2, NM_001350247.2, NM_001350251.2); c.2196G>C, p.Arg732= (NM_001350248.2); c.1806G>C, p.Arg602= (NM_001350249.2); c.*7-678C>G (NM_181690.2).
Identifiers: ClinVar variation 2635543 (VCV002635543.1), dbSNP rs1282922454, ClinGen allele CA424348579.